The following is an entry in ClinVar:

ClinVar aggregate classification (germline): Likely pathogenic (1 of 4 stars; one submission).

Submission:

GeneDx
Classification: Likely pathogenic. Last evaluated: 2025-04-12. Review status: criteria provided, single submitter. Criteria: GeneDx Variant Classification Process June 2021. Collection method: clinical testing. Allele origin: germline. Affected: yes.
Comment: Reported in a proband with nonischemic dilated cardiomyopathy in the published literature (PMID: 32998006); Located in the A-band, a region of TTN for which truncating variants are significantly associated with autosomal dominant cardiomyopathy and also with autosomal recessive skeletal myopathies (PMID: 22335739, 32778822); Not observed at significant frequency in large population cohorts (gnomAD); Frameshift variant predicted to result in protein truncation or nonsense mediated decay in a gene for which loss of function is a known mechanism of disease; This variant is associated with the following publications: (PMID: 22335739, 32778822, 32998006)

NM_001267550.2(TTN):c.98139dup (p.Ile32714fs)

Genes: TTN (titin; minus strand), TTN-AS1 (TTN antisense RNA 1; plus strand). Cytogenetic location: 2q31.2.
Variant type: Duplication.
Coding change: c.98139dup on transcript NM_001267550.2 (MANE Select); coding-DNA position 98139, one base duplicated (T; older notation c.98139dupT).
Protein change: p.Ile32714fs; shifts the reading frame from isoleucine 32714.
Molecular consequence: frameshift variant.
Genome position (GRCh38, 1-based): chr2:178,539,926, A duplicated on the plus strand (T on the coding strand, the reverse complement: TTN is on the minus strand). VCF-style (leftmost placement, unchanged base first): chr2-178539925-T-TA. GRCh37 (hg19) VCF-style: chr2-179404652-T-TA.
Other names: c.93216dup, p.Ile31073fs (NM_001256850.1); c.70944dup, p.Ile23649fs (NM_003319.4); c.90435dup, p.Ile30146fs (NM_133378.4); c.71319dup, p.Ile23774fs (NM_133432.3); c.71520dup, p.Ile23841fs (NM_133437.4); short protein forms I23649fs, I23774fs, I23841fs, I30146fs, I31073fs, I32714fs.
Identifiers: ClinVar variation 4282411 (VCV004282411.1).
Genomic context (GRCh38, chr2:178,539,925, plus strand): 5'-GGAATGGTTTTCCTTTGATTGGTATGGTAAGTCTGATGACGCCACCTTGCCTTACAAAGA[T>TA]ACCTTCTTGGTATCTTTCATCAAGTTCATAATCAGGATATTCTGGAAAAAAAGGTAGGGT-3'